The following is an entry in ClinVar:

ClinVar aggregate classification (germline): Uncertain significance. Review status: criteria provided, single submitter (1 of 4 stars). 2 submissions from 2 submitters: Uncertain significance (1). 1 of the submissions does not count toward it. Last evaluated 2024-10-09.

Conditions:
Joubert syndrome 32 (JBTS32). Identifiers: MedGen C4540342, MONDO:0033309, OMIM 617757.
Medulloblastoma (MDB). Also called: Medulloblastoma, somatic; MEDULLOBLASTOMA PREDISPOSITION SYNDROME. Identifiers: Orphanet 616, MedGen C0025149, MeSH D008527, MONDO:0007959, OMIM 155255, HP:0002885.
Gorlin syndrome. Also called: Basal cell nevus syndrome; Nevoid Basal Cell Carcinoma Syndrome. Identifiers: Orphanet 377, MedGen C0004779, MONDO:0007187.

Allele frequency attached by ClinVar (database versions not stated): TOPMed below 0.00001; gnomAD 0.00001.
gnomAD v4.1: 1 of 1,614,092 alleles (0.000062%); highest among the groups gnomAD compares: Non-Finnish European, 0.000085%; no homozygotes.

Submissions (2):

Labcorp Genetics (formerly Invitae), Labcorp
Classification: Uncertain significance for Gorlin syndrome; Medulloblastoma. Last evaluated: 2024-10-09. Review status: criteria provided, single submitter. Criteria: Invitae Variant Classification Sherloc (09022015). Collection method: clinical testing. Allele origin: germline.
Comment: This sequence change replaces isoleucine, which is neutral and non-polar, with threonine, which is neutral and polar, at codon 406 of the SUFU protein (p.Ile406Thr). This variant is not present in population databases (gnomAD no frequency). This missense change has been observed in individual(s) with Joubert syndrome (PMID: 28965847). ClinVar contains an entry for this variant (Variation ID: 446156). Invitae Evidence Modeling of protein sequence and biophysical properties (such as structural, functional, and spatial information, amino acid conservation, physicochemical variation, residue mobility, and thermodynamic stability) has been performed for this missense variant. However, the output from this modeling did not meet the statistical confidence thresholds required to predict the impact of this variant on SUFU protein function. Experimental studies have shown that this missense change affects SUFU function (PMID: 28965847). In summary, the available evidence is currently insufficient to determine the role of this variant in disease. Therefore, it has been classified as a Variant of Uncertain Significance.

OMIM
Classification: Pathogenic for JOUBERT SYNDROME 32. Last evaluated: 2017-11-07. Review status: no assertion criteria provided. Collection method: literature only. Allele origin: germline. Not counted in ClinVar's aggregate classification.

Literature cited by the submitters: PubMed 28965847 (cited by Labcorp Genetics (formerly Invitae), Labcorp and OMIM).

NM_016169.4(SUFU):c.1217T>C (p.Ile406Thr)

Gene: SUFU (SUFU negative regulator of hedgehog signaling; plus strand). Cytogenetic location: 10q24.32.
Variant type: single nucleotide variant.
Coding change: c.1217T>C on transcript NM_016169.4 (MANE Select); coding-DNA position 1217, T replaced by C.
Protein change: p.Ile406Thr; replaces isoleucine 406 with threonine.
Molecular consequence: missense variant.
Genome position (GRCh38, 1-based): chr10:102,617,349, T>C. VCF-style: chr10-102617349-T-C. GRCh37 (hg19) VCF-style: chr10-104377106-T-C.
Other names: c.1217T>C, p.Ile406Thr (NM_001178133.2); short protein forms I406T.
Identifiers: ClinVar variation 446156 (VCV000446156.11), dbSNP rs1554854758, ClinGen allele CA377915524.